The following is an entry in ClinVar:

ClinVar aggregate classification (germline): Pathogenic/Likely pathogenic. Review status: criteria provided, multiple submitters, no conflicts (2 of 4 stars). 13 submissions from 13 submitters: Pathogenic (10); Likely pathogenic (1). 2 of the submissions do not count toward it. Last evaluated 2025-12-12.

Conditions:
Fanconi anemia (FA). Also called: Fanconi's anemia. Identifiers: Orphanet 84, MedGen C0015625, MeSH D005199, MONDO:0019391.
Fanconi anemia complementation group A (FANCA). Also called: Fanconi anemia, group A; FANCA-Related Fanconi Anemia. Identifiers: Orphanet 84, MedGen C3469521, MONDO:0009215, OMIM 227650.

Submissions (13):

3billion
Classification: Pathogenic for Fanconi anemia complementation group A. Last evaluated: 2025-12-12. Review status: criteria provided, single submitter. Criteria: ACMG Guidelines, 2015. Collection method: clinical testing. Allele origin: germline. Affected: yes.
Comment: The variant is observed at an extremely low frequency in the gnomAD v4.1.0 dataset (total allele frequency: 0.002%). Predicted Consequence/Location: Frameshift: predicted to result in a loss or disruption of normal protein function through nonsense-mediated decay (NMD) or protein truncation. Multiple pathogenic variants are reported downstream of the variant. The variant has been reported at least twice as pathogenic with clinical assertions and evidence for the classification (ClinVar ID: VCV000208580 /PMID: 9371798 /3billion dataset). Therefore, this variant is classified as Pathogenic according to the recommendation of ACMG/AMP guideline.

Natera, Inc.
Classification: Pathogenic for Fanconi anemia. Last evaluated: 2025-05-27. Review status: criteria provided, single submitter. Criteria: Natera Variant Classification Schema (03/2026). Collection method: clinical testing. Allele origin: germline.
Comment: The c.987_990delTCAC variant in FANCA is a frameshift variant predicted to shift the reading frame beginning at codon 330 and leads to a stop codon 4 codons downstream. This variant is expected to result in nonsense mediated decay, truncation, or a dysfunctional protein product. This variant is rare in the general population with a frequency below the threshold expected for the associated phenotype(s). This variant has been observed in one or more individuals affected with the associated recessive disease, as either homozygous or compound heterozygous with a second variant (PMID: 17924555, 24584348, 27041517). Given the available evidence, this variant is classified as Pathogenic.

Labcorp Genetics (formerly Invitae), Labcorp
Classification: Pathogenic for Fanconi anemia. Last evaluated: 2025-04-08. Review status: criteria provided, single submitter. Criteria: Invitae Variant Classification Sherloc (09022015). Collection method: clinical testing. Allele origin: germline.
Comment: This sequence change creates a premature translational stop signal (p.His330Alafs*4) in the FANCA gene. It is expected to result in an absent or disrupted protein product. Loss-of-function variants in FANCA are known to be pathogenic (PMID: 19367192). This variant is present in population databases (rs772359099, gnomAD 0.03%). This premature translational stop signal has been observed in individual(s) with FANCA-related conditions and/or hereditary breast and ovarian cancer and Fanconi anemia (PMID: 9371798, 17924555, 21273304, 27041517, 28423363; internal data). In at least one individual the data is consistent with being in trans (on the opposite chromosome) from a pathogenic variant. ClinVar contains an entry for this variant (Variation ID: 208580). For these reasons, this variant has been classified as Pathogenic.

Baylor Genetics
Classification: Pathogenic for Fanconi anemia complementation group A. Last evaluated: 2023-10-21. Review status: criteria provided, single submitter. Criteria: ACMG Guidelines, 2015. Collection method: clinical testing. Allele origin: unknown.

Revvity Omics, Revvity
Classification: Likely pathogenic for Fanconi anemia complementation group A. Last evaluated: 2023-03-03. Review status: criteria provided, single submitter. Criteria: ACMG Guidelines, 2015. Collection method: clinical testing. Allele origin: germline.

Fulgent Genetics
Classification: Pathogenic for Fanconi anemia complementation group A. Last evaluated: 2022-04-17. Review status: criteria provided, single submitter. Criteria: ACMG Guidelines, 2015. Collection method: clinical testing. Allele origin: unknown.

GeneDx
Classification: Pathogenic. Last evaluated: 2022-03-22. Review status: criteria provided, single submitter. Criteria: GeneDx Variant Classification Process June 2021. Collection method: clinical testing. Allele origin: germline. Affected: yes.
Comment: Frameshift variant predicted to result in protein truncation or nonsense mediated decay in a gene for which loss-of-function is a known mechanism of disease; This variant is associated with the following publications: (PMID: 21273304, 27041517, 27832981, 28717661, 9371798, 10521298, 28423363, 17924555, 29154021, 24584348, 27535533, 32487094)

Quest Diagnostics Nichols Institute San Juan Capistrano
Classification: Pathogenic. Last evaluated: 2021-12-23. Review status: criteria provided, single submitter. Criteria: Quest Diagnostics criteria. Collection method: clinical testing. Allele origin: unknown.
Comment: This frameshift variant alters the translational reading frame of the FANCA mRNA and causes the premature termination of FANCA protein synthesis. The frequency of this variant in the general population, 0.0003 (6/19952 chromosomes), is uninformative in assessment of its pathogenicity. In the published literature, the variant has been reported in patients with Fanconi anemia and one patient with breast cancer (PMIDs: 29154021 (2018), 28423363 (2017), 28717661 (2017), 24584348 (2014), 21273304 (2011), 17924555 (2008), 10521298 (1999), 9371798 (1997)). Based on the available information, this variant is classified as pathogenic.

Genetic Services Laboratory, University of Chicago
Classification: Pathogenic. Last evaluated: 2018-09-12. Review status: criteria provided, single submitter. Criteria: ACMG Guidelines, 2015. Collection method: clinical testing. Allele origin: germline. Affected: yes.
Comment: DNA sequence analysis of the FANCA gene demonstrated a four base pair deletion in exon 11, c.987_990del. This pathogenic sequence change results in an amino acid frameshift and creates a premature stop codon 3 amino acids downstream of the deletion, p.His330Alafs*4. This pathogenic sequence change is predicted to result in an abnormal transcript, which may be degraded, or may lead to the production of a truncated FANCA protein with potentially abnormal function. This pathogenic sequence change has previously been described in patient with Fanconi anemia (Levran O, et al., 1997; Levran O, et al., 2005; De Rocco D et al., 2014; Pilonetto DV, et al., 2017).

Laboratory for Molecular Medicine, Mass General Brigham Personalized Medicine
Classification: Pathogenic for Fanconi anemia, complementation group A. Last evaluated: 2014-10-07. Review status: criteria provided, single submitter. Criteria: LMM Criteria. Collection method: clinical testing. Allele origin: germline. Inheritance: Autosomal recessive inheritance. Observed: 1 variant allele. Study: CSER-MedSeq.
Comment: The p.His330AlafsX4 variant in FANCA has been reported in >10 homozygous or compound heterozygous individuals with Fanconi anemia (Levran 1997, Morgan 1999, Najim 2009, De Rocco 2014, FANCA LOVD database) and was absent from large population studies. This variant is predicted to cause a frameshift, which alters the protein’s amino acid sequence beginning at position 330 and leads to a premature termination codon 4 amino acids downstream. This alteration is then predicted to lead to a truncated or absent protein. Complete loss of FANCA function is an established disease mechanism in fanconia anemia. In summary, this variant meets our criteria to be classified as pathogenic for Fanconi anemia in an autosomal recessive manner due to the predicted impact to the protein.

Juno Genomics, Hangzhou Juno Genomics, Inc
Classification: Pathogenic for Fanconi anemia complementation group A. Review status: criteria provided, single submitter. Criteria: ACMG Guidelines, 2015. Collection method: clinical testing. Allele origin: germline.
Comment: Absent from controls (or at extremely low frequency if recessive) in Genome Aggregation Database.;Null variant in a gene where loss of function (LOF) is a known mechanism of disease.;For recessive disorders, detected in trans with a pathogenic variant.

Leiden Open Variation Database
Classification: Pathogenic for Fanconi anemia complementation group A. Last evaluated: 2020-02-28. Review status: no assertion criteria provided. Collection method: curation. Allele origin: germline. Affected: yes. Not counted in ClinVar's aggregate classification.
Comment: Curator: Arleen D. Auerbach. Submitters to LOVD: Arleen D. Auerbach, Daniela Pilonetto, Johan de Winter.

Counsyl
Classification: Pathogenic for Fanconi anemia complementation group A. Last evaluated: 2017-01-19. Review status: no assertion criteria provided. Collection method: clinical testing. Allele origin: unknown. Not counted in ClinVar's aggregate classification.

Literature cited by the submitters: PubMed 9371798 (cited by 4 submitters); PubMed 17924555 (cited by 5 submitters); PubMed 24584348 (cited by 4 submitters); PubMed 27041517 (cited by Natera, Inc. and Labcorp Genetics (formerly Invitae), Labcorp); PubMed 19367192 (cited by Labcorp Genetics (formerly Invitae), Labcorp); PubMed 21273304 (cited by 3 submitters); PubMed 28423363 (cited by Labcorp Genetics (formerly Invitae), Labcorp and Quest Diagnostics Nichols Institute San Juan Capistrano); PubMed 29154021 (cited by Quest Diagnostics Nichols Institute San Juan Capistrano); PubMed 10521298 (cited by 3 submitters); PubMed 28717661 (cited by Quest Diagnostics Nichols Institute San Juan Capistrano); PubMed 32487094 (cited by Quest Diagnostics Nichols Institute San Juan Capistrano).

NM_000135.4(FANCA):c.987_990del (p.His330fs)

Gene: FANCA (FA complementation group A; minus strand). Cytogenetic location: 16q24.3.
Variant type: Microsatellite.
Coding change: c.987_990del on transcript NM_000135.4 (MANE Select); coding-DNA positions 987 to 990, 4 bases deleted (TCAC; older notation c.987_990delTCAC).
Protein change: p.His330fs; shifts the reading frame from histidine 330.
Molecular consequence: frameshift variant.
Genome position (GRCh38, 1-based): chr16:89,795,922-89,795,925, GTGA deleted on the plus strand (TCAC on the coding strand, the reverse complement: FANCA is on the minus strand); deleting any 4 consecutive bases within chr16:89,795,922-89,795,931 gives the same sequence; the c. name uses the placement nearest the transcript's 3' end. VCF-style (leftmost placement, unchanged base first): chr16-89795921-TGTGA-T. GRCh37 (hg19) VCF-style: chr16-89862329-TGTGA-T.
Other names: c.987_990del (NM_000135.3, NM_000135.2); c.987_990del, p.His330fs (NM_001286167.3); c.987_990delTCAC (NM_000135.3); short protein forms H330fs.
Identifiers: ClinVar variation 208580 (VCV000208580.32), dbSNP rs772359099, ClinGen allele CA276002.